The following is an entry in ClinVar:

ClinVar aggregate classification (germline): Pathogenic (1 of 4 stars; one submission).

Conditions:
Epilepsy, familial focal, with variable foci 3 (FFEVF3). Identifiers: MedGen C4310708, MONDO:0014925, OMIM 617118.

Submission:

Labcorp Genetics (formerly Invitae), Labcorp
Classification: Pathogenic for Epilepsy, familial focal, with variable foci 3. Last evaluated: 2022-12-06. Review status: criteria provided, single submitter. Criteria: Invitae Variant Classification Sherloc (09022015). Collection method: clinical testing. Allele origin: germline.
Comment: For these reasons, this variant has been classified as Pathogenic. This variant has not been reported in the literature in individuals affected with NPRL3-related conditions. This variant is not present in population databases (gnomAD no frequency). This sequence change creates a premature translational stop signal (p.Glu387Argfs*26) in the NPRL3 gene. It is expected to result in an absent or disrupted protein product. Loss-of-function variants in NPRL3 are known to be pathogenic (PMID: 26285051, 26505888).

Literature cited by the submitters: PubMed 26285051; PubMed 26505888.

NM_001077350.3(NPRL3):c.1159del (p.Glu387fs)

Genes: HBA-LCR (alpha-globin locus control region; plus strand), NPRL3 (NPR3 like, GATOR1 complex subunit; minus strand). Cytogenetic location: 16p13.3.
Variant type: Deletion.
Coding change: c.1159del on transcript NM_001077350.3 (MANE Select); coding-DNA position 1159, one base deleted (G; older notation c.1159delG).
Protein change: p.Glu387fs; shifts the reading frame from glutamic acid 387.
Molecular consequence: frameshift variant.
Genome position (GRCh38, 1-based): chr16:92,598, C deleted on the plus strand (G on the coding strand, the reverse complement: NPRL3 is on the minus strand); the first of 2 consecutive C bases (chr16:92,598-92,599); deleting either gives the same sequence. VCF-style (leftmost placement, unchanged base first): chr16-92597-TC-T. GRCh37 (hg19) VCF-style: chr16-142595-TC-T.
Other names: c.622del, p.Glu208fs (NM_001039476.3); c.925del, p.Glu309fs (NM_001243247.2); c.1084del, p.Glu362fs (NM_001243248.2, NM_001243249.2); short protein forms E387fs, E362fs, E208fs, E309fs.
Identifiers: ClinVar variation 2818975 (VCV002818975.3), dbSNP rs2542810561, ClinGen allele CA2739269802.